The following is an entry in ClinVar:

ClinVar aggregate classification (germline): Uncertain significance. Review status: criteria provided, multiple submitters, no conflicts (2 of 4 stars). 5 submissions from 5 submitters: Uncertain significance (5). Last evaluated 2025-12-15.

Conditions:
Ehlers-Danlos syndrome, type 4 (EDSVASC). Also called: Ehlers-Danlos syndrome vascular type; Ehlers Danlos syndrome, ecchymotic type; Ehlers Danlos syndrome, arterial type; Ehlers Danlos syndrome, Sack-Barabas type; Ehlers-Danlos Syndrome Type IV. Identifiers: Orphanet 286, MedGen C0268338, MONDO:0017314, OMIM 130050.
Familial thoracic aortic aneurysm and aortic dissection (TAAD). Also called: Thoracic aortic aneurysms and dissections. Identifiers: Orphanet 91387, MedGen C4707243, MONDO:0019625.

Allele frequency attached by ClinVar (database versions not stated): gnomAD exomes below 0.00001 and 0.00001; TOPMed below 0.00001; ExAC 0.00001.
gnomAD v4.1: 7 of 1,611,758 alleles (0.00043%); highest among the groups gnomAD compares: Non-Finnish European, 0.00059%; no homozygotes.

Submissions (5):

Ambry Genetics
Classification: Uncertain significance for Familial thoracic aortic aneurysm and aortic dissection. Last evaluated: 2025-12-15. Review status: criteria provided, single submitter. Criteria: Ambry Variant Classification Scheme 2023. Collection method: clinical testing. Allele origin: germline.
Comment: The p.I140T variant (also known as c.419T>C), located in coding exon 4 of the COL3A1 gene, results from a T to C substitution at nucleotide position 419. The isoleucine at codon 140 is replaced by threonine, an amino acid with similar properties. This amino acid position is well conserved in available vertebrate species. In addition, the in silico prediction for this alteration is inconclusive. Based on the available evidence, the clinical significance of this variant remains unclear.

Labcorp Genetics (formerly Invitae), Labcorp
Classification: Uncertain significance for Ehlers-Danlos syndrome, type 4. Last evaluated: 2024-07-30. Review status: criteria provided, single submitter. Criteria: Invitae Variant Classification Sherloc (09022015). Collection method: clinical testing. Allele origin: germline.
Comment: This sequence change replaces isoleucine, which is neutral and non-polar, with threonine, which is neutral and polar, at codon 140 of the COL3A1 protein (p.Ile140Thr). This variant is present in population databases (rs750849196, gnomAD 0.0009%). This variant has not been reported in the literature in individuals affected with COL3A1-related conditions. ClinVar contains an entry for this variant (Variation ID: 618033). Advanced modeling of protein sequence and biophysical properties (such as structural, functional, and spatial information, amino acid conservation, physicochemical variation, residue mobility, and thermodynamic stability) performed at Invitae indicates that this missense variant is not expected to disrupt COL3A1 protein function with a negative predictive value of 95%. In summary, the available evidence is currently insufficient to determine the role of this variant in disease. Therefore, it has been classified as a Variant of Uncertain Significance.

Color Diagnostics, LLC DBA Color Health
Classification: Uncertain significance for Familial thoracic aortic aneurysm and aortic dissection. Last evaluated: 2024-03-06. Review status: criteria provided, single submitter. Criteria: ACMG Guidelines, 2015. Collection method: clinical testing. Allele origin: germline.
Comment: This missense variant replaces isoleucine with threonine at codon 140 of the COL3A1 protein. Computational prediction suggests that this variant may not impact protein structure and function (internally defined REVEL score threshold <= 0.5, PMID: 27666373). To our knowledge, functional studies have not been reported for this variant. This variant has not been reported in individuals affected with cardiovascular disorders in the literature. This variant has been identified in 1/250744 chromosomes in the general population by the Genome Aggregation Database (gnomAD). The available evidence is insufficient to determine the role of this variant in disease conclusively. Therefore, this variant is classified as a Variant of Uncertain Significance.

All of Us Research Program, National Institutes of Health
Classification: Uncertain significance for Ehlers-Danlos syndrome, type 4. Last evaluated: 2024-03-05. Review status: criteria provided, single submitter. Criteria: ACMG Guidelines, 2015. Collection method: clinical testing. Allele origin: germline. Inheritance: Autosomal dominant inheritance. Observed: 1 variant allele, 1 heterozygote.
Comment: This missense variant replaces isoleucine with threonine at codon 140 of the COL3A1 protein. Computational prediction suggests that this variant may not impact protein structure and function (internally defined REVEL score threshold <= 0.5, PMID: 27666373). To our knowledge, functional studies have not been reported for this variant. This variant has not been reported in individuals affected with cardiovascular disorders in the literature. This variant has been identified in 1/250744 chromosomes in the general population by the Genome Aggregation Database (gnomAD). The available evidence is insufficient to determine the role of this variant in disease conclusively. Therefore, this variant is classified as a Variant of Uncertain Significance.

This study involves interpretation of variants in research participants for the purpose of population health screening. Participant phenotype was not available at the time of variant classification. Additional details can be found in publication PMID: 35346344, PMCID: PMC8962531

ARUP Laboratories, Molecular Genetics and Genomics, ARUP Laboratories
Classification: Uncertain significance. Last evaluated: 2017-11-28. Review status: criteria provided, single submitter. Criteria: ARUP Molecular Germline Variant Investigation Process. Collection method: clinical testing. Allele origin: germline.

NM_000090.4(COL3A1):c.419T>C (p.Ile140Thr)

Gene: COL3A1 (collagen type III alpha 1 chain; plus strand). Cytogenetic location: 2q32.2.
Variant type: single nucleotide variant.
Coding change: c.419T>C on transcript NM_000090.4 (MANE Select); coding-DNA position 419, T replaced by C.
Protein change: p.Ile140Thr; replaces isoleucine 140 with threonine.
Molecular consequence: missense variant.
Genome position (GRCh38, 1-based): chr2:188,985,750, T>C. VCF-style: chr2-188985750-T-C. GRCh37 (hg19) VCF-style: chr2-189850476-T-C.
Other names: short protein forms I140T.
Identifiers: ClinVar variation 618033 (VCV000618033.16), dbSNP rs750849196, ClinGen allele CA076502.
Genomic context (GRCh38, chr2:188,985,750, plus strand): 5'-ATGGTGACCCTGGTATTCCAGGACAACCAGGGTCCCCTGGTTCTCCTGGCCCCCCTGGAA[T>C]CTGTGAATCATGCCCTACTGGTCCTCAGGTATAACAATTACGGTACTTAAAAAATTCCCT-3'
Protein context (NP_000081.2, residues 130-150): GSPGSPGPPG[Ile140Thr]CESCPTGPQN